The following is an entry in ClinVar:

NM_001077365.2(POMT1):c.1698+107C>A

Gene: POMT1 (protein O-mannosyltransferase 1; plus strand). Cytogenetic location: 9q34.13.
Variant type: single nucleotide variant.
Coding change: c.1698+107C>A on transcript NM_001077365.2 (MANE Select); 107 bases into the intron after coding-DNA position 1698, C replaced by A.
Molecular consequence: intron variant.
Genome position (GRCh38, 1-based): chr9:131,520,300, C>A. VCF-style: chr9-131520300-C-A. GRCh37 (hg19) VCF-style: chr9-134395687-C-A.
Other names: c.1602+107C>A (NM_001353198.2, NM_001353197.2); c.1764+107C>A (NM_001353193.2, NM_007171.4); c.1698+107C>A (NM_001136113.2); c.1536+107C>A (NM_001353194.2, NM_001077366.2); c.1347+107C>A (NM_001374691.1, NM_001353195.2, NM_001374692.1 and 2 more transcripts); c.1479+107C>A (NM_001374690.1); c.1608+107C>A (NM_001353196.2); c.1308+107C>A (NM_001374695.1); and 3 more.
Identifiers: ClinVar variation 668011 (VCV000668011.2), dbSNP rs2277153, ClinGen allele CA12973362.

ClinVar aggregate classification (germline): Benign. Review status: criteria provided, multiple submitters, no conflicts (2 of 4 stars). 2 submissions from 2 submitters: Benign (2). Last evaluated 2018-06-14.

Allele frequency attached by ClinVar (database versions not stated): TOPMed 0.86115; 1000 Genomes Project 30x 0.86212; 1000 Genomes Project 0.86562; gnomAD 0.87061 and 0.87566; gnomAD exomes 0.93298.

Submissions (2):

GeneDx
Classification: Benign. Last evaluated: 2018-06-14. Review status: criteria provided, single submitter. Criteria: GeneDx Variant Classification (06012015). Collection method: clinical testing. Allele origin: germline. Affected: yes.
Comment: This variant is considered likely benign or benign based on one or more of the following criteria: it is a conservative change, it occurs at a poorly conserved position in the protein, it is predicted to be benign by multiple in silico algorithms, and/or has population frequency not consistent with disease.

Breakthrough Genomics
Classification: Benign. Review status: criteria provided, single submitter. Criteria: ACMG Guidelines, 2015. Collection method: not provided. Allele origin: germline. Inheritance: Autosomal recessive inheritance. Affected: yes.